The following is an entry in ClinVar:

NM_198576.4(AGRN):c.3560G>A (p.Arg1187Gln)

Gene: AGRN (agrin; plus strand). Cytogenetic location: 1p36.33.
Variant type: single nucleotide variant.
Coding change: c.3560G>A on transcript NM_198576.4 (MANE Select); coding-DNA position 3560, G replaced by A.
Protein change: p.Arg1187Gln; replaces arginine 1187 with glutamine.
Molecular consequence: missense variant.
Genome position (GRCh38, 1-based): chr1:1,047,616, G>A. VCF-style: chr1-1047616-G-A. GRCh37 (hg19) VCF-style: chr1-982996-G-A.
Other names: c.3560G>A, p.Arg1187Gln (NM_001305275.2); c.3245G>A, p.Arg1082Gln (NM_001364727.2); short protein forms R1082Q, R1187Q.
Identifiers: ClinVar variation 654127 (VCV000654127.4), dbSNP rs772632690, ClinGen allele CA509138.

ClinVar aggregate classification (germline): Uncertain significance (1 of 4 stars; one submission).

Conditions:
Congenital myasthenic syndrome 8. Also called: MYASTHENIC SYNDROME, CONGENITAL, DUE TO AGRIN DEFICIENCY; Myasthenic syndrome, congenital, 8, with pre- and postsynaptic defects. Identifiers: Orphanet 590, MedGen C3808739, MONDO:0014052, OMIM 615120.

Allele frequency attached by ClinVar (database versions not stated): ExAC 0.00003; gnomAD 0.00003 and 0.00004; gnomAD exomes 0.00003; TOPMed 0.00005.
gnomAD v4.1: 48 of 1,612,912 alleles (0.003%); highest among the groups gnomAD compares: African/African-American, 0.004%; no homozygotes.

Submission:

Labcorp Genetics (formerly Invitae), Labcorp
Classification: Uncertain significance for Congenital myasthenic syndrome 8. Last evaluated: 2022-08-23. Review status: criteria provided, single submitter. Criteria: Invitae Variant Classification Sherloc (09022015). Collection method: clinical testing. Allele origin: germline.
Comment: This sequence change replaces arginine, which is basic and polar, with glutamine, which is neutral and polar, at codon 1187 of the AGRN protein (p.Arg1187Gln). This variant is present in population databases (rs772632690, gnomAD 0.007%). This variant has not been reported in the literature in individuals affected with AGRN-related conditions. ClinVar contains an entry for this variant (Variation ID: 654127). Algorithms developed to predict the effect of missense changes on protein structure and function are either unavailable or do not agree on the potential impact of this missense change (SIFT: "Tolerated"; PolyPhen-2: "Possibly Damaging"; Align-GVGD: "Class C0"). In summary, the available evidence is currently insufficient to determine the role of this variant in disease. Therefore, it has been classified as a Variant of Uncertain Significance.